The following is an entry in ClinVar:

ClinVar aggregate classification (germline): Uncertain significance. Review status: criteria provided, multiple submitters, no conflicts (2 of 4 stars). 2 submissions from 2 submitters: Uncertain significance (2). Last evaluated 2025-04-28.

Conditions:
TWNK-related disorder. Also called: TWNK-related condition.

gnomAD v4.1: 20 of 1,613,992 alleles (0.0012%); highest among the groups gnomAD compares: Admixed American, 0.0067%; no homozygotes.

Submissions (2):

PreventionGenetics, part of Exact Sciences
Classification: Uncertain significance for TWNK-related condition. Last evaluated: 2025-04-28. Review status: criteria provided, single submitter. Criteria: ACMG Guidelines, 2015. Collection method: clinical testing. Allele origin: germline.
Comment: The TWNK c.2023G>A variant is predicted to result in the amino acid substitution p.Asp675Asn. To our knowledge, this variant has not been reported in the literature. This variant is reported in 0.0085% of alleles in individuals of Latino descent in gnomAD. At this time, the clinical significance of this variant is uncertain due to the absence of conclusive functional and genetic evidence.

Labcorp Genetics (formerly Invitae), Labcorp
Classification: Uncertain significance. Last evaluated: 2024-04-29. Review status: criteria provided, single submitter. Criteria: Invitae Variant Classification Sherloc (09022015). Collection method: clinical testing. Allele origin: germline.
Comment: This sequence change replaces aspartic acid, which is acidic and polar, with asparagine, which is neutral and polar, at codon 675 of the TWNK protein (p.Asp675Asn). This variant is present in population databases (rs758267849, gnomAD 0.009%). This variant has not been reported in the literature in individuals affected with TWNK-related conditions. ClinVar contains an entry for this variant (Variation ID: 2191160). Advanced modeling of protein sequence and biophysical properties (such as structural, functional, and spatial information, amino acid conservation, physicochemical variation, residue mobility, and thermodynamic stability) performed at Invitae indicates that this missense variant is not expected to disrupt TWNK protein function with a negative predictive value of 95%. In summary, the available evidence is currently insufficient to determine the role of this variant in disease. Therefore, it has been classified as a Variant of Uncertain Significance.

NM_021830.5(TWNK):c.2023G>A (p.Asp675Asn)

Gene: TWNK (twinkle mtDNA helicase; plus strand). Cytogenetic location: 10q24.31.
Variant type: single nucleotide variant.
Coding change: c.2023G>A on transcript NM_021830.5 (MANE Select); coding-DNA position 2023, G replaced by A.
Protein change: p.Asp675Asn; replaces aspartic acid 675 with asparagine.
Molecular consequence: missense variant. On other transcripts: 3 prime UTR variant (2), non-coding transcript variant (5).
Genome position (GRCh38, 1-based): chr10:100,993,478, G>A. VCF-style: chr10-100993478-G-A. GRCh37 (hg19) VCF-style: chr10-102753235-G-A.
Other names: c.*318G>A (NM_001163812.2, NM_001163814.2); c.661G>A, p.Asp221Asn (NM_001163813.2, NM_001368275.1); c.2023G>A (NM_021830.4); short protein forms D221N, D675N.
Identifiers: ClinVar variation 2191160 (VCV002191160.5), dbSNP rs758267849, ClinGen allele CA5653391.